The following is an entry in ClinVar:

NM_000334.4(SCN4A):c.2635AAG[1] (p.Lys880del)

Genes: GH-LCR (growth hormone locus control region; plus strand), SCN4A (sodium voltage-gated channel alpha subunit 4; minus strand). Cytogenetic location: 17q23.3.
Variant type: Microsatellite.
Coding change: c.2635AAG[1] on transcript NM_000334.4 (MANE Select); one copy of the 3-base unit AAG starting at c.2635; the reference has two copies in a row; one copy, 3 bases deleted; also written c.2638_2640del.
Protein change: p.Lys880del; deletes lysine 880.
Molecular consequence: inframe deletion.
Genome position (GRCh38, 1-based): chr17:63,951,637-63,951,639, CTT deleted on the plus strand (AAG on the coding strand, the reverse complement: SCN4A is on the minus strand); deleting any 3 consecutive bases within chr17:63,951,637-63,951,644 gives the same sequence; the position shown is the placement nearest the transcript's 3' end. VCF-style (leftmost placement, unchanged base first): chr17-63951636-CCTT-C. GRCh37 (hg19) VCF-style: chr17-62028996-CCTT-C.
Other names: c.2638_2640del (NM_000334.4); short protein forms K880del.
Identifiers: ClinVar variation 1303156 (VCV001303156.15), dbSNP rs760403755, ClinGen allele CA8709540.
Genomic context (GRCh38, chr17:63,951,636, plus strand): 5'-CAGCCAGGCCCATGTGGTTCAGGATGTGATTGTCCTTCTTCAGGTCCTCCTCGGGCGGCT[CCTT>C]CTTCTCATCCTCGGGGGCAGTCTCCCCCGCCTCTCCAGCCTCCCCGGCCCCGTCAGCCTC-3'

ClinVar aggregate classification (germline): Uncertain significance. Review status: criteria provided, multiple submitters, no conflicts (2 of 4 stars). 7 submissions from 6 submitters: Uncertain significance (5). 2 of the submissions do not count toward it. Last evaluated 2025-12-11.

Conditions:
Congenital myopathy 22A, classic (CMYO22A). Identifiers: MedGen C5830453, MONDO:0957247, OMIM 620351.
Congenital myopathy 22B, severe fetal (CMYO22B). Identifiers: MedGen C5830501, MONDO:0957265, OMIM 620369.
Potassium-aggravated myotonia. Also called: MYOTONIA CONGENITA, ACETAZOLAMIDE-RESPONSIVE; MYOTONIA CONGENITA, ATYPICAL; SODIUM CHANNEL MUSCLE DISEASE; Myotonia congenita, atypical, acetazolamide-responsive. Identifiers: Orphanet 612, Orphanet 99734, Orphanet 99735, Orphanet 99736, MedGen C2931826, MONDO:0018959, OMIM 608390.
Hypokalemic periodic paralysis, type 2 (HOKPP2). Identifiers: Orphanet 681, MedGen C2750061, MONDO:0013234, OMIM 613345.
Paramyotonia congenita of Von Eulenburg. Also called: PARALYSIS PERIODICA PARAMYOTONICA; Paramyotonia Congenita; Eulenburg disease; Myotonia congenita intermittens; Von Eulenburg paramyotonia congenita. Identifiers: Orphanet 684, MedGen C0221055, MONDO:0008195, OMIM 168300. Disease mechanism: loss of function.
Hyperkalemic periodic paralysis. Also called: Familial hyperkalemic periodic paralysis; Gamstorp disease. Identifiers: Orphanet 682, MedGen C0238357, MONDO:0008224, OMIM 170500, HP:0007215.
Congenital myasthenic syndrome 16. Identifiers: Orphanet 590, MedGen C3280112, MONDO:0013620, OMIM 614198.
SCN4A-related non-dystrophic myotonia.

Submissions (7):

Labcorp Genetics (formerly Invitae), Labcorp
Classification: Uncertain significance for Hyperkalemic periodic paralysis. Last evaluated: 2025-12-11. Review status: criteria provided, single submitter. Criteria: Invitae Variant Classification Sherloc (09022015). Collection method: clinical testing. Allele origin: germline.
Comment: This variant, c.2638_2640del, results in the deletion of 1 amino acid(s) of the SCN4A protein (p.Lys880del), but otherwise preserves the integrity of the reading frame. This variant is present in population databases (rs760403755, gnomAD 0.09%). This variant has been observed in individual(s) with SCN4A-related conditions (PMID: 27415035, 32660787, 32798841, 35907044, 36116128, 36779057; internal data). ClinVar contains an entry for this variant (Variation ID: 1303156). Algorithms developed to predict the effect of variants on gene product structure and function are not available or were not evaluated for this variant. Experimental studies have shown that this variant affects SCN4A function (PMID: 36116128). In summary, the available evidence is currently insufficient to determine the role of this variant in disease. Therefore, it has been classified as a Variant of Uncertain Significance.

Fulgent Genetics
Classification: Uncertain significance for Paramyotonia congenita of Von Eulenburg; Hyperkalemic periodic paralysis; Potassium-aggravated myotonia; Hypokalemic periodic paralysis, type 2; Congenital myasthenic syndrome 16; Congenital myopathy 22A, classic; Congenital myopathy 22B, severe fetal. Last evaluated: 2024-05-20. Review status: criteria provided, single submitter. Criteria: ACMG Guidelines, 2015. Collection method: clinical testing. Allele origin: germline.

Genomic Medicine Center of Excellence, King Faisal Specialist Hospital and Research Centre
Classification: Uncertain significance for Hyperkalemic periodic paralysis. Last evaluated: 2024-03-29. Review status: criteria provided, single submitter. Criteria: ACMG Guidelines, 2015. Collection method: clinical testing. Allele origin: germline.

GeneDx
Classification: Uncertain significance. Last evaluated: 2020-09-03. Review status: criteria provided, single submitter. Criteria: GeneDx Variant Classification Process June 2021. Collection method: clinical testing. Allele origin: germline. Affected: yes.
Comment: In-frame deletion of 1 amino acids in a non-repeat region; In silico analysis supports that this variant does not alter protein structure/function; This variant is associated with the following publications: (PMID: 32660787, 27415035, 32798841)

Juno Genomics, Hangzhou Juno Genomics, Inc
Classification: Uncertain significance for Congenital myopathy 22A, classic; Congenital myopathy 22B, severe fetal; Hyperkalemic periodic paralysis; Hypokalemic periodic paralysis, type 2; Congenital myasthenic syndrome 16; Potassium-aggravated myotonia; Paramyotonia congenita of Von Eulenburg. Review status: criteria provided, single submitter. Criteria: ACMG Guidelines, 2015. Collection method: clinical testing. Allele origin: germline.
Comment: Absent from controls (or at extremely low frequency if recessive) in Genome Aggregation Database.;Protein length changes due to in-frame deletions/insertions in a non-repeat region or stop-loss variants.

Department of Neurology and Geriatrics, Kagoshima University Graduate School of Medical and Dental Sciences
Classification: Uncertain significance for Hyperkalemic periodic paralysis. Last evaluated: 2022-04-12. Review status: no assertion criteria provided. Collection method: research. Allele origin: germline. Affected: yes. Not counted in ClinVar's aggregate classification.

Department of Neurology and Geriatrics, Kagoshima University Graduate School of Medical and Dental Sciences
Classification: Uncertain significance for SCN4A-related non-dystrophic myotonia. Last evaluated: 2022-04-06. Review status: no assertion criteria provided. Collection method: research. Allele origin: germline. Affected: yes. Not counted in ClinVar's aggregate classification.

Literature cited by the submitters: PubMed 27415035 (cited by Labcorp Genetics (formerly Invitae), Labcorp); PubMed 32660787 (cited by Labcorp Genetics (formerly Invitae), Labcorp); PubMed 32798841 (cited by Labcorp Genetics (formerly Invitae), Labcorp); PubMed 35907044 (cited by Labcorp Genetics (formerly Invitae), Labcorp); PubMed 36116128 (cited by Labcorp Genetics (formerly Invitae), Labcorp); PubMed 36779057 (cited by Labcorp Genetics (formerly Invitae), Labcorp).